The following is an entry in ClinVar:

ClinVar aggregate classification (germline): Uncertain significance (1 of 4 stars; one submission).

gnomAD v4.1: 1 of 1,613,916 alleles (0.000062%); no homozygotes.

Submission:

Ambry Genetics
Classification: Uncertain significance. Last evaluated: 2022-10-04. Review status: criteria provided, single submitter. Criteria: Ambry Variant Classification Scheme 2023. Collection method: clinical testing. Allele origin: germline.
Comment: The p.Q1379E variant (also known as c.4135C>G), located in coding exon 16 of the POLQ gene, results from a C to G substitution at nucleotide position 4135. The glutamine at codon 1379 is replaced by glutamic acid, an amino acid with highly similar properties. This amino acid position is conserved. In addition, this alteration is predicted to be tolerated by in silico analysis. Since supporting evidence is limited at this time, the clinical significance of this alteration remains unclear.

NM_199420.4(POLQ):c.4135C>G (p.Gln1379Glu)

Gene: POLQ (DNA polymerase theta; minus strand). Cytogenetic location: 3q13.33.
Variant type: single nucleotide variant.
Coding change: c.4135C>G on transcript NM_199420.4 (MANE Select); coding-DNA position 4135, C replaced by G.
Protein change: p.Gln1379Glu; replaces glutamine 1379 with glutamic acid.
Molecular consequence: missense variant.
Genome position (GRCh38, 1-based): chr3:121,488,796, G>C on the plus strand (C>G on the coding strand, the complement: POLQ is on the minus strand). VCF-style: chr3-121488796-G-C. GRCh37 (hg19) VCF-style: chr3-121207643-G-C.
Other names: short protein forms Q1379E.
Identifiers: ClinVar variation 1738111 (VCV001738111.2), dbSNP rs2048037202, ClinGen allele CA354096031.